The following is an entry in ClinVar:

NM_014795.4(ZEB2):c.1483T>C (p.Cys495Arg)

Gene: ZEB2 (zinc finger E-box binding homeobox 2; minus strand). Cytogenetic location: 2q22.3.
Variant type: single nucleotide variant.
Coding change: c.1483T>C on transcript NM_014795.4 (MANE Select); coding-DNA position 1483, T replaced by C.
Protein change: p.Cys495Arg; replaces cysteine 495 with arginine.
Molecular consequence: missense variant.
Genome position (GRCh38, 1-based): chr2:144,399,704, A>G on the plus strand (T>C on the coding strand, the complement: ZEB2 is on the minus strand). VCF-style: chr2-144399704-A-G. GRCh37 (hg19) VCF-style: chr2-145157271-A-G.
Other names: c.1411T>C, p.Cys471Arg (NM_001171653.2); short protein forms C471R, C495R.
Identifiers: ClinVar variation 3343164 (VCV003343164.1).

ClinVar aggregate classification (germline): Uncertain significance (1 of 4 stars; one submission).

gnomAD v4.1: 1 of 1,614,200 alleles (0.000062%); highest among the groups gnomAD compares: Non-Finnish European, 0.000085%; no homozygotes.

Submission:

GeneDx
Classification: Uncertain significance. Last evaluated: 2023-05-01. Review status: criteria provided, single submitter. Criteria: GeneDx Variant Classification Process June 2021. Collection method: clinical testing. Allele origin: germline. Affected: yes.
Comment: Not observed at significant frequency in large population cohorts (gnomAD); In silico analysis supports that this missense variant does not alter protein structure/function; Has not been previously published as pathogenic or benign to our knowledge